The following is an entry in ClinVar:

ClinVar aggregate classification (germline): Benign/Likely benign. Review status: criteria provided, multiple submitters, no conflicts (2 of 4 stars). 3 submissions from 3 submitters: Benign (2); Likely benign (1). Last evaluated 2026-07-01.

Allele frequency attached by ClinVar (database versions not stated): 1000 Genomes Project 0.00180; 1000 Genomes Project 30x 0.00219; gnomAD 0.00287 and 0.00311; TOPMed 0.00359; ESP Exome Variant Server 0.00369; gnomAD exomes 0.00025 and 0.00064; ExAC 0.00072.
gnomAD v4.1: 831 of 1,614,106 alleles (0.051%); highest among the groups gnomAD compares: African/African-American, 0.92%; 5 homozygotes.

Submissions (3):

CeGaT Center for Human Genetics Tuebingen
Classification: Likely benign. Last evaluated: 2026-07-01. Review status: criteria provided, single submitter. Criteria: CeGaT Center For Human Genetics Tuebingen Variant Classification Criteria Version 2. Collection method: clinical testing. Allele origin: germline. Affected: yes. Observed: 4 variant alleles.
Comment: OMG: BP4, BP7

Labcorp Genetics (formerly Invitae), Labcorp
Classification: Benign. Last evaluated: 2018-06-12. Review status: criteria provided, single submitter. Criteria: Invitae Variant Classification Sherloc (09022015). Collection method: clinical testing. Allele origin: germline.

Breakthrough Genomics
Classification: Benign. Review status: criteria provided, single submitter. Criteria: ACMG Guidelines, 2015. Collection method: not provided. Allele origin: germline. Inheritance: Unknown mechanism. Affected: yes.

NM_002544.5(OMG):c.1110A>C (p.Ser370=)

Genes: OMG (oligodendrocyte myelin glycoprotein; minus strand), NF1 (neurofibromin 1; plus strand). Cytogenetic location: 17q11.2.
Variant type: single nucleotide variant.
Coding change: c.1110A>C on transcript NM_002544.5 (MANE Select); coding-DNA position 1110, A replaced by C.
Protein change: p.Ser370=; no amino-acid change (serine 370 retained).
Molecular consequence: synonymous variant. On other transcripts: intron variant (2).
Genome position (GRCh38, 1-based): chr17:31,295,222, T>G on the plus strand (A>C on the coding strand, the complement: OMG is on the minus strand). VCF-style: chr17-31295222-T-G. GRCh37 (hg19) VCF-style: chr17-29622240-T-G.
Other names: c.4835+29883T>G (NM_001042492.3); c.4772+29883T>G (NM_000267.4).
Identifiers: ClinVar variation 736429 (VCV000736429.10), dbSNP rs145223469, ClinGen allele CA8486520.